The following is an entry in ClinVar:

NM_000492.4(CFTR):c.391T>C (p.Phe131Leu)

Gene: CFTR (CF transmembrane conductance regulator; plus strand). Cytogenetic location: 7q31.2.
Variant type: single nucleotide variant.
Coding change: c.391T>C on transcript NM_000492.4 (MANE Select); coding-DNA position 391, T replaced by C.
Protein change: p.Phe131Leu; replaces phenylalanine 131 with leucine.
Molecular consequence: missense variant.
Genome position (GRCh38, 1-based): chr7:117,531,016, T>C. VCF-style: chr7-117531016-T-C. GRCh37 (hg19) VCF-style: chr7-117171070-T-C.
Other names: short protein forms F131L.
Identifiers: ClinVar variation 1736192 (VCV001736192.2), dbSNP rs780492177, ClinGen allele CA4450715.

ClinVar aggregate classification (germline): Uncertain significance (1 of 4 stars; one submission).

Conditions:
Cystic fibrosis (CF). Also called: MUCOVISCIDOSIS. Identifiers: Orphanet 586, MedGen C0010674, MONDO:0009061, OMIM 219700. Disease mechanism: loss of function.

Allele frequency attached by ClinVar (database versions not stated): gnomAD 0.00001; gnomAD exomes below 0.00001; TOPMed below 0.00001; ExAC 0.00001.
gnomAD v4.1: 4 of 1,613,688 alleles (0.00025%); highest among the groups gnomAD compares: South Asian, 0.0033%; no homozygotes.

Submission:

Ambry Genetics
Classification: Uncertain significance for Cystic fibrosis. Last evaluated: 2021-08-29. Review status: criteria provided, single submitter. Criteria: Ambry Variant Classification Scheme 2023. Collection method: clinical testing. Allele origin: germline.
Comment: The p.F131L variant (also known as c.391T>C), located in coding exon 4 of the CFTR gene, results from a T to C substitution at nucleotide position 391. The phenylalanine at codon 131 is replaced by leucine, an amino acid with highly similar properties. This amino acid position is conserved. In addition, the in silico prediction for this alteration is inconclusive. Since supporting evidence is limited at this time, the clinical significance of this alteration remains unclear.